The following is an entry in ClinVar:

ClinVar aggregate classification (germline): Uncertain significance (1 of 4 stars; one submission).

Allele frequency attached by ClinVar (database versions not stated): TOPMed below 0.00001; gnomAD 0.00001.
gnomAD v4.1: 1 of 1,614,106 alleles (0.000062%); highest among the groups gnomAD compares: Middle Eastern, 0.016%; no homozygotes.

Submission:

GeneDx
Classification: Uncertain significance. Last evaluated: 2023-03-09. Review status: criteria provided, single submitter. Criteria: GeneDx Variant Classification Process June 2021. Collection method: clinical testing. Allele origin: germline. Affected: yes.
Comment: Has not been previously published as pathogenic or benign to our knowledge; Not observed at significant frequency in large population cohorts (gnomAD); In silico analysis supports that this missense variant does not alter protein structure/function

NM_017671.5(FERMT1):c.60T>G (p.His20Gln)

Gene: FERMT1 (FERM domain containing kindlin 1; minus strand). Cytogenetic location: 20p12.3.
Variant type: single nucleotide variant.
Coding change: c.60T>G on transcript NM_017671.5 (MANE Select); coding-DNA position 60, T replaced by G.
Protein change: p.His20Gln; replaces histidine 20 with glutamine.
Molecular consequence: missense variant.
Genome position (GRCh38, 1-based): chr20:6,119,495, A>C on the plus strand (T>G on the coding strand, the complement: FERMT1 is on the minus strand). VCF-style: chr20-6119495-A-C. GRCh37 (hg19) VCF-style: chr20-6100142-A-C.
Other names: short protein forms H20Q.
Identifiers: ClinVar variation 2579554 (VCV002579554.1), dbSNP rs1983205071, ClinGen allele CA408195436.